The following is an entry in ClinVar:

NC_000020.10:g.(?_61978090)_(62039909_?)del

Genes: CHRNA4 (cholinergic receptor nicotinic alpha 4 subunit; minus strand), KCNQ2 (potassium voltage-gated channel subfamily Q member 2; minus strand). Cytogenetic location: 20q13.33.
Variant type: Deletion.
Identifiers: ClinVar variation 2427487 (VCV002427487.2).

ClinVar aggregate classification (germline): Pathogenic (1 of 4 stars; one submission).

Conditions:
Developmental and epileptic encephalopathy. Identifiers: MedGen C5779964, MONDO:0100620.

Submission:

Labcorp Genetics (formerly Invitae), Labcorp
Classification: Pathogenic for Early-infantile DEE. Last evaluated: 2022-09-27. Review status: criteria provided, single submitter. Criteria: Invitae Variant Classification Sherloc (09022015). Collection method: clinical testing. Allele origin: germline.
Comment: This variant is a gross deletion of the genomic region encompassing exon(s) 16-17 of the KCNQ2 gene, which includes the termination codon. This deletion extends beyond the assayed region for this gene and therefore may encompass additional genes. While this deletion is not anticipated to lead to nonsense mediated decay, it is expected to alter mRNA translation or result in a truncated protein product. A similar copy number variant has been observed in individual(s) with an epileptic disorder (PMID: 27054081). This variant disrupts a region of the KCNQ2 protein in which other variant(s) (p.Cys774Leufs*91) have been determined to be pathogenic (PMID: 23692823). This suggests that this is a clinically significant region of the protein, and that variants that disrupt it are likely to be disease-causing. For these reasons, this variant has been classified as Pathogenic.

Literature cited by the submitters: PubMed 27054081; PubMed 23692823.